The following is an entry in ClinVar:

NM_000199.5(SGSH):c.1448C>T (p.Pro483Leu)

Gene: SGSH (N-sulfoglucosamine sulfohydrolase; minus strand). Cytogenetic location: 17q25.3.
Variant type: single nucleotide variant.
Coding change: c.1448C>T on transcript NM_000199.5 (MANE Select); coding-DNA position 1448, C replaced by T.
Protein change: p.Pro483Leu; replaces proline 483 with leucine.
Molecular consequence: missense variant. On other transcripts: 3 prime UTR variant (2), non-coding transcript variant (1).
Genome position (GRCh38, 1-based): chr17:80,210,513, G>A on the plus strand (C>T on the coding strand, the complement: SGSH is on the minus strand). VCF-style: chr17-80210513-G-A. GRCh37 (hg19) VCF-style: chr17-78184312-G-A.
Other names: c.*535C>T (NM_001352921.3); c.*498C>T (NM_001352922.2); short protein forms P483L.
Identifiers: ClinVar variation 801413 (VCV000801413.3), dbSNP rs1598736884, ClinGen allele CA401358403.

ClinVar aggregate classification (germline): Conflicting classifications of pathogenicity. Review status: criteria provided, conflicting classifications (1 of 4 stars). 2 submissions from 2 submitters: Likely pathogenic (1); Uncertain significance (1). Last evaluated 2025-04-03.

Allele frequency attached by ClinVar (database versions not stated): gnomAD exomes below 0.00001.
gnomAD v4.1: 1 of 1,609,404 alleles (0.000062%); highest among the groups gnomAD compares: Non-Finnish European, 0.000085%; no homozygotes.

Submissions (2):

Dasa
Classification: Uncertain significance. Last evaluated: 2025-04-03. Review status: criteria provided, single submitter. Criteria: DASA Assertion Criteria. Collection method: clinical testing. Allele origin: germline.
Comment: NM_000199.5(SGSH):c.1448C>T (p.Pro483Leu) is a missense variant that results in the substitution of proline with leucine. This variant has been observed in affected individuals with SGSH-related disorders. Also, this variant is rare in population databases. Computational prediction algorithms are consistent with a deleterious effect. The currently available literature and clinical evidence are not sufficient to establish a definitive association between this variant and the reported condition. Therefore, this variant is classified as a variant of uncertain significance.

Mendelics
Classification: Likely pathogenic. Last evaluated: 2019-05-28. Review status: criteria provided, single submitter. Criteria: Mendelics Assertion Criteria 2017. Collection method: clinical testing. Allele origin: unknown.